The following is an entry in ClinVar:

NM_000543.5(SMPD1):c.830G>A (p.Trp277Ter)

Gene: SMPD1 (sphingomyelin phosphodiesterase 1; plus strand). Cytogenetic location: 11p15.4.
Variant type: single nucleotide variant.
Coding change: c.830G>A on transcript NM_000543.5 (MANE Select); coding-DNA position 830, G replaced by A.
Protein change: p.Trp277Ter; replaces tryptophan 277 with a stop codon.
Molecular consequence: nonsense. On other transcripts: 5 prime UTR variant (1), non-coding transcript variant (1).
Genome position (GRCh38, 1-based): chr11:6,391,895, G>A. VCF-style: chr11-6391895-G-A. GRCh37 (hg19) VCF-style: chr11-6413125-G-A.
Other names: c.827G>A, p.Trp276Ter (NM_001007593.3); c.830G>A, p.Trp277Ter (NM_001318087.2, NM_001365135.2); c.-132G>A (NM_001318088.2); short protein forms W277*, W276*.
Identifiers: ClinVar variation 2954037 (VCV002954037.3), dbSNP rs2493806963, ClinGen allele CA379371101.

ClinVar aggregate classification (germline): Pathogenic (1 of 4 stars; one submission).

Conditions:
Niemann-Pick disease, type B. Also called: Chronic Visceral ASMD (Niemann-Pick Disease Type B; NPD-B). Identifiers: Orphanet 77293, MedGen C0268243, MONDO:0011871, OMIM 607616. Disease mechanism: loss of function.
Niemann-Pick disease, type A. Also called: SPHINGOMYELIN LIPIDOSIS; SPHINGOMYELINASE DEFICIENCY; Infantile Neurovisceral ASMD (Niemann-Pick Disease Type A; NPD-A). Identifiers: Orphanet 77292, MedGen C0268242, MONDO:0009756, OMIM 257200. Disease mechanism: loss of function.

Allele frequency attached by ClinVar (database versions not stated): gnomAD exomes below 0.00001.

Submission:

Labcorp Genetics (formerly Invitae), Labcorp
Classification: Pathogenic for Niemann-Pick disease, type B; Niemann-Pick disease, type A. Last evaluated: 2023-11-19. Review status: criteria provided, single submitter. Criteria: Invitae Variant Classification Sherloc (09022015). Collection method: clinical testing. Allele origin: germline.
Comment: This sequence change creates a premature translational stop signal (p.Trp277*) in the SMPD1 gene. It is expected to result in an absent or disrupted protein product. Loss-of-function variants in SMPD1 are known to be pathogenic (PMID: 12369017, 15221801). This variant is not present in population databases (gnomAD no frequency). This variant has not been reported in the literature in individuals affected with SMPD1-related conditions. For these reasons, this variant has been classified as Pathogenic.

Literature cited by the submitters: PubMed 12369017; PubMed 15221801.